The following is an entry in ClinVar:

NM_176787.5(PIGN):c.2089G>T (p.Val697Phe)

Gene: PIGN (phosphatidylinositol glycan anchor biosynthesis class N; minus strand). Cytogenetic location: 18q21.33.
Variant type: single nucleotide variant.
Coding change: c.2089G>T on transcript NM_176787.5 (MANE Select); coding-DNA position 2089, G replaced by T.
Protein change: p.Val697Phe; replaces valine 697 with phenylalanine.
Molecular consequence: missense variant.
Genome position (GRCh38, 1-based): chr18:62,095,939, C>A on the plus strand (G>T on the coding strand, the complement: PIGN is on the minus strand). VCF-style: chr18-62095939-C-A. GRCh37 (hg19) VCF-style: chr18-59763172-C-A.
Other names: c.2089G>T, p.Val697Phe (NM_012327.6); short protein forms V697F.
Identifiers: ClinVar variation 959311 (VCV000959311.9), dbSNP rs763127430, ClinGen allele CA8982083.

ClinVar aggregate classification (germline): Uncertain significance. Review status: criteria provided, multiple submitters, no conflicts (2 of 4 stars). 2 submissions from 2 submitters: Uncertain significance (2). Last evaluated 2021-08-28.

Conditions:
Multiple congenital anomalies-hypotonia-seizures syndrome 1 (MCAHS1). Also called: PIGN-CDG; Congenital disorder of glycosylation due to PIGN deficiency; GLYCOSYLPHOSPHATIDYLINOSITOL BIOSYNTHESIS DEFECT 3. Identifiers: Orphanet 280633, MedGen C3279775, MONDO:0013563, OMIM 614080.

Allele frequency attached by ClinVar (database versions not stated): gnomAD below 0.00001 and 0.00001; gnomAD exomes 0.00001 and 0.00002; ExAC 0.00002.
gnomAD v4.1: 16 of 1,608,872 alleles (0.00099%); highest among the groups gnomAD compares: South Asian, 0.014%; 1 homozygote.

Submissions (2):

Labcorp Genetics (formerly Invitae), Labcorp
Classification: Uncertain significance for Multiple congenital anomalies-hypotonia-seizures syndrome 1. Last evaluated: 2021-08-28. Review status: criteria provided, single submitter. Criteria: Invitae Variant Classification Sherloc (09022015). Collection method: clinical testing. Allele origin: germline.
Comment: This sequence change replaces valine with phenylalanine at codon 697 of the PIGN protein (p.Val697Phe). The valine residue is moderately conserved and there is a small physicochemical difference between valine and phenylalanine. This variant is present in population databases (rs763127430, ExAC 0.01%). This variant has not been reported in the literature in individuals affected with PIGN-related conditions. Algorithms developed to predict the effect of missense changes on protein structure and function output the following: SIFT: "Deleterious"; PolyPhen-2: "Benign"; Align-GVGD: "Class C0". The phenylalanine amino acid residue is found in multiple mammalian species, which suggests that this missense change does not adversely affect protein function. In summary, the available evidence is currently insufficient to determine the role of this variant in disease. Therefore, it has been classified as a Variant of Uncertain Significance.

Revvity Omics, Revvity
Classification: Uncertain significance for Multiple congenital anomalies-hypotonia-seizures syndrome 1. Last evaluated: 2020-12-14. Review status: criteria provided, single submitter. Criteria: ACMG Guidelines, 2015. Collection method: clinical testing. Allele origin: germline.